The following is an entry in ClinVar:

ClinVar aggregate classification (germline): Uncertain significance. Review status: criteria provided, multiple submitters, no conflicts (2 of 4 stars). 2 submissions from 2 submitters: Uncertain significance (2). Last evaluated 2023-12-14.

Allele frequency attached by ClinVar (database versions not stated): ExAC 0.00005; 1000 Genomes Project 30x 0.00016; 1000 Genomes Project 0.00020.
gnomAD v4.1: 15 of 1,600,456 alleles (0.00094%); highest among the groups gnomAD compares: Admixed American, 0.0051%; no homozygotes.

Submissions (2):

Ambry Genetics
Classification: Uncertain significance. Last evaluated: 2023-12-14. Review status: criteria provided, single submitter. Criteria: Ambry Variant Classification Scheme 2023. Collection method: clinical testing. Allele origin: germline.

GeneDx
Classification: Uncertain significance. Last evaluated: 2023-11-22. Review status: criteria provided, single submitter. Criteria: GeneDx Variant Classification Process June 2021. Collection method: clinical testing. Allele origin: germline. Affected: yes.
Comment: In silico analysis supports that this missense variant does not alter protein structure/function; Has not been previously published as pathogenic or benign to our knowledge

NM_001606.5(ABCA2):c.4691C>T (p.Ser1564Leu)

Gene: ABCA2 (ATP binding cassette subfamily A member 2; minus strand). Cytogenetic location: 9q34.3.
Variant type: single nucleotide variant.
Coding change: c.4691C>T on transcript NM_001606.5 (MANE Select); coding-DNA position 4691, C replaced by T.
Protein change: p.Ser1564Leu; replaces serine 1564 with leucine.
Molecular consequence: missense variant.
Genome position (GRCh38, 1-based): chr9:137,013,178, G>A on the plus strand (C>T on the coding strand, the complement: ABCA2 is on the minus strand). VCF-style: chr9-137013178-G-A. GRCh37 (hg19) VCF-style: chr9-139907630-G-A.
Other names: c.4688C>T, p.Ser1563Leu (NM_001411042.1); c.4781C>T, p.Ser1594Leu (NM_212533.3); short protein forms S1564L, S1563L, S1594L.
Identifiers: ClinVar variation 3096468 (VCV003096468.2), dbSNP rs550140163, ClinGen allele CA5354283.